The following is an entry in ClinVar:

NM_000069.3(CACNA1S):c.304G>T (p.Ala102Ser)

Gene: CACNA1S (calcium voltage-gated channel subunit alpha1 S; minus strand). Cytogenetic location: 1q32.1.
Variant type: single nucleotide variant.
Coding change: c.304G>T on transcript NM_000069.3 (MANE Select); coding-DNA position 304, G replaced by T.
Protein change: p.Ala102Ser; replaces alanine 102 with serine.
Molecular consequence: missense variant.
Genome position (GRCh38, 1-based): chr1:201,093,976, C>A on the plus strand (G>T on the coding strand, the complement: CACNA1S is on the minus strand). VCF-style: chr1-201093976-C-A. GRCh37 (hg19) VCF-style: chr1-201063104-C-A.
Other names: c.304G>T (NM_000069.2); short protein forms A102S.
Identifiers: ClinVar variation 2138964 (VCV002138964.6), dbSNP rs753901380, ClinGen allele CA344145486.

ClinVar aggregate classification (germline): Uncertain significance. Review status: criteria provided, multiple submitters, no conflicts (2 of 4 stars). 3 submissions from 3 submitters: Uncertain significance (3). Last evaluated 2026-04-16.

Conditions:
Malignant hyperthermia, susceptibility to, 5 (MHS5). Also called: CACNA1S-Related Malignant Hyperthermia Susceptibility. Identifiers: Orphanet 423, MedGen C1866077, MONDO:0011163, OMIM 601887.
Hypokalemic periodic paralysis, type 1. Also called: HypoPP; Hypokalemic Periodic Paralysis Type 1 (AD). Identifiers: Orphanet 681, MedGen C3714580, MONDO:0042979, OMIM 170400.

gnomAD v4.1: 1 of 1,614,080 alleles (0.000062%); highest among the groups gnomAD compares: Non-Finnish European, 0.000085%; no homozygotes.

Submissions (3):

GeneDx
Classification: Uncertain significance. Last evaluated: 2026-04-16. Review status: criteria provided, single submitter. Criteria: GeneDx Variant Classification Process June 2021. Collection method: clinical testing. Allele origin: germline.
Comment: Not observed at significant frequency in large population cohorts (gnomAD); In silico analysis suggests that this missense variant does not alter protein structure/function; Has not been previously published as pathogenic or benign to our knowledge

All of Us Research Program, National Institutes of Health
Classification: Uncertain significance for Malignant hyperthermia, susceptibility to, 5. Last evaluated: 2024-09-23. Review status: criteria provided, single submitter. Criteria: ACMG Guidelines, 2015. Collection method: clinical testing. Allele origin: germline. Inheritance: Autosomal dominant inheritance. Observed: 1 variant allele, 1 heterozygote.
Comment: This study involves interpretation of variants in research participants for the purpose of population health screening. Participant phenotype was not available at the time of variant classification. Additional details can be found in publication PMID: 35346344, PMCID: PMC8962531

Labcorp Genetics (formerly Invitae), Labcorp
Classification: Uncertain significance for Hypokalemic periodic paralysis, type 1; Malignant hyperthermia, susceptibility to, 5. Last evaluated: 2023-10-03. Review status: criteria provided, single submitter. Criteria: Invitae Variant Classification Sherloc (09022015). Collection method: clinical testing. Allele origin: germline.
Comment: This sequence change replaces alanine, which is neutral and non-polar, with serine, which is neutral and polar, at codon 102 of the CACNA1S protein (p.Ala102Ser). This variant is not present in population databases (gnomAD no frequency). This variant has not been reported in the literature in individuals affected with CACNA1S-related conditions. ClinVar contains an entry for this variant (Variation ID: 2138964). Advanced modeling of protein sequence and biophysical properties (such as structural, functional, and spatial information, amino acid conservation, physicochemical variation, residue mobility, and thermodynamic stability) performed at Invitae indicates that this missense variant is not expected to disrupt CACNA1S protein function. In summary, the available evidence is currently insufficient to determine the role of this variant in disease. Therefore, it has been classified as a Variant of Uncertain Significance.